The following is an entry in ClinVar:

NM_015662.3(IFT172):c.2704A>T (p.Ile902Leu)

Genes: IFT172 (intraflagellar transport 172; minus strand), LOC126806174 (CDK7 strongly-dependent group 2 enhancer GRCh37_chr2:27681686-27682885; plus strand). Cytogenetic location: 2p23.3.
Variant type: single nucleotide variant.
Coding change: c.2704A>T on transcript NM_015662.3 (MANE Select); coding-DNA position 2704, A replaced by T.
Protein change: p.Ile902Leu; replaces isoleucine 902 with leucine.
Molecular consequence: missense variant.
Genome position (GRCh38, 1-based): chr2:27,459,461, T>A on the plus strand (A>T on the coding strand, the complement: IFT172 is on the minus strand). VCF-style: chr2-27459461-T-A. GRCh37 (hg19) VCF-style: chr2-27682328-T-A.
Other names: c.2638A>T, p.Ile880Leu (NM_001410739.1); short protein forms I902L, I880L.
Identifiers: ClinVar variation 4982011 (VCV004982011.1).
Genomic context (GRCh38, chr2:27,459,461, plus strand): 5'-AGTGTTGGGCCACGAGAGGATAGTATTTGGATGCAGTGTTCCGGTCCTGTAGATCTAATA[T>A]ATAAATTGCCTTCTTCCACTGGCGGGCACCCAGGGCGGCCTCAATTGCCTTAATGGAGCA-3'
Protein context (NP_056477.1, residues 892-912): GARQWKKAIY[Ile902Leu]LDLQDRNTAS

ClinVar aggregate classification (germline): Uncertain significance (1 of 4 stars; one submission).

Conditions:
IFT172-related disorder. Also called: IFT172-related condition; IFT172-related disorders.

Submission:

PreventionGenetics, part of Exact Sciences
Classification: Uncertain significance for IFT172-related condition. Last evaluated: 2025-04-14. Review status: criteria provided, single submitter. Criteria: ACMG Guidelines, 2015. Collection method: clinical testing. Allele origin: germline.
Comment: The IFT172 c.2704A>T variant is predicted to result in the amino acid substitution p.Ile902Leu. To our knowledge, this variant has not been reported in the literature or in a large population database (gnomAD), indicating this variant is rare. At this time, the clinical significance of this variant is uncertain due to the absence of conclusive functional and genetic evidence.